The following is an entry in ClinVar:

NM_007186.6(CEP250):c.3855A>G (p.Thr1285=)

Gene: CEP250 (centrosomal protein 250; plus strand). Cytogenetic location: 20q11.22.
Variant type: single nucleotide variant.
Coding change: c.3855A>G on transcript NM_007186.6 (MANE Select); coding-DNA position 3855, A replaced by G.
Protein change: p.Thr1285=; no amino-acid change (threonine 1285 retained).
Molecular consequence: synonymous variant.
Genome position (GRCh38, 1-based): chr20:35,500,126, A>G. VCF-style: chr20-35500126-A-G. GRCh37 (hg19) VCF-style: chr20-34087955-A-G.
Other names: c.1959A>G, p.Thr653= (NM_001318219.1); c.3855A>G (NM_007186.5).
Identifiers: ClinVar variation 1080017 (VCV001080017.11), dbSNP rs139078811, ClinGen allele CA9833584.

ClinVar aggregate classification (germline): Likely benign. Review status: criteria provided, multiple submitters, no conflicts (2 of 4 stars). 3 submissions from 3 submitters: Likely benign (3). Last evaluated 2024-11-17.

Conditions:
CEP250-related disorder. Also called: CEP250-related condition.

Allele frequency attached by ClinVar (database versions not stated): gnomAD exomes 0.00001 and 0.00004; ExAC 0.00006; ESP Exome Variant Server 0.00023; gnomAD 0.00026 and 0.00030; TOPMed 0.00026.
gnomAD v4.1: 56 of 1,613,774 alleles (0.0035%); highest among the groups gnomAD compares: African/African-American, 0.064%; no homozygotes.

Submissions (3):

PreventionGenetics, part of Exact Sciences
Classification: Likely benign for CEP250-related condition. Last evaluated: 2024-11-17. Review status: criteria provided, single submitter. Criteria: ACMG Guidelines, 2015. Collection method: clinical testing. Allele origin: germline.
Comment: This variant is classified as likely benign based on ACMG/AMP sequence variant interpretation guidelines (Richards et al. 2015 PMID: 25741868, with internal and published modifications).

Labcorp Genetics (formerly Invitae), Labcorp
Classification: Likely benign. Last evaluated: 2024-05-09. Review status: criteria provided, single submitter. Criteria: Invitae Variant Classification Sherloc (09022015). Collection method: clinical testing. Allele origin: germline.

Blueprint Genetics
Classification: Likely benign. Last evaluated: 2021-06-24. Review status: criteria provided, single submitter. Criteria: ACMG Guidelines, 2015. Collection method: clinical testing. Allele origin: germline.